The following is an entry in ClinVar:

NM_001100.4(ACTA1):c.280_282del (p.Asn94del)

Gene: ACTA1 (actin alpha 1, skeletal muscle; minus strand). Cytogenetic location: 1q42.13.
Variant type: Deletion.
Coding change: c.280_282del on transcript NM_001100.4 (MANE Select); coding-DNA positions 280 to 282, 3 bases deleted (AAC; older notation c.280_282delAAC).
Protein change: p.Asn94del; deletes asparagine 94.
Genome position (GRCh38, 1-based): chr1:229,432,728-229,432,730, GTT deleted on the plus strand (AAC on the coding strand, the reverse complement: ACTA1 is on the minus strand); deleting any 3 consecutive bases within chr1:229,432,728-229,432,732 gives the same sequence; the c. name uses the placement nearest the transcript's 3' end. VCF-style (leftmost placement, unchanged base first): chr1-229432727-CGTT-C. GRCh37 (hg19) VCF-style: chr1-229568474-CGTT-C.
Other names: short protein forms N94del.
Identifiers: ClinVar variation 3651891 (VCV003651891.2).
Genomic context (GRCh38, chr1:229,432,727, plus strand): 5'-TGGGATTGAGGGGGGCCTCGGTGAGCAGGGTGGGGTGCTCCTCGGGAGCCACGCGAAGCT[CGTT>C]GTAGAAGGTGTGGTGCCAGATCTTCTCCATGTCATCCCAGTTGGTGATGATGCCGTGCTC-3'

ClinVar aggregate classification (germline): Uncertain significance (1 of 4 stars; one submission).

Conditions:
Actin accumulation myopathy (CMYO2A). Also called: Myopathy, actin, congenital, with cores; Nemaline myopathy 3, with intranuclear rods; Nemaline myopathy type 3; Myopathy, actin, congenital, with excess of thin myofilaments; CONGENITAL MYOPATHY 2A, TYPICAL, AUTOSOMAL DOMINANT. Identifiers: Orphanet 98904, MedGen C3711389, MONDO:0008070, OMIM 161800.

Submission:

Labcorp Genetics (formerly Invitae), Labcorp
Classification: Uncertain significance for Actin accumulation myopathy. Last evaluated: 2024-06-02. Review status: criteria provided, single submitter. Criteria: Invitae Variant Classification Sherloc (09022015). Collection method: clinical testing. Allele origin: germline.
Comment: This variant, c.280_282del, results in the deletion of 1 amino acid(s) of the ACTA1 protein (p.Asn94del), but otherwise preserves the integrity of the reading frame. This variant is not present in population databases (gnomAD no frequency). This variant has not been reported in the literature in individuals affected with ACTA1-related conditions. Experimental studies and prediction algorithms are not available or were not evaluated, and the functional significance of this variant is currently unknown. In summary, the available evidence is currently insufficient to determine the role of this variant in disease. Therefore, it has been classified as a Variant of Uncertain Significance.